The following is an entry in ClinVar:

NM_006904.7(PRKDC):c.155-4A>G

Gene: PRKDC (protein kinase, DNA-activated, catalytic subunit; minus strand). Cytogenetic location: 8q11.21.
Variant type: single nucleotide variant.
Coding change: c.155-4A>G on transcript NM_006904.7 (MANE Select); 4 bases into the intron before coding-DNA position 155, A replaced by G.
Molecular consequence: intron variant.
Genome position (GRCh38, 1-based): chr8:47,957,435, T>C on the plus strand (A>G on the coding strand, the complement: PRKDC is on the minus strand). VCF-style: chr8-47957435-T-C. GRCh37 (hg19) VCF-style: chr8-48869995-T-C.
Other names: c.155-4A>G (NM_001081640.2).
Identifiers: ClinVar variation 849011 (VCV000849011.9), dbSNP rs2090722927, ClinGen allele CA916080390.

ClinVar aggregate classification (germline): Uncertain significance (1 of 4 stars; one submission).

Conditions:
Severe combined immunodeficiency due to DNA-PKcs deficiency. Also called: Immunodeficiency 26 with or without neurologic abnormalities; IMMUNODEFICIENCY 26 WITH NEUROLOGIC ABNORMALITIES. Identifiers: Orphanet 317425, MedGen C4014833, MONDO:0014423, OMIM 615966.

Allele frequency attached by ClinVar (database versions not stated): gnomAD exomes below 0.00001.
gnomAD v4.1: 2 of 1,570,286 alleles (0.00013%); highest among the groups gnomAD compares: Non-Finnish European, 0.000086%; no homozygotes.

Submission:

Labcorp Genetics (formerly Invitae), Labcorp
Classification: Uncertain significance for Severe combined immunodeficiency due to DNA-PKcs deficiency. Last evaluated: 2019-02-17. Review status: criteria provided, single submitter. Criteria: Invitae Variant Classification Sherloc (09022015). Collection method: clinical testing. Allele origin: germline.
Comment: In summary, the available evidence is currently insufficient to determine the role of this variant in disease. Therefore, it has been classified as a Variant of Uncertain Significance. Algorithms developed to predict the effect of sequence changes on RNA splicing suggest that this variant may disrupt the consensus splice site, but this prediction has not been confirmed by published transcriptional studies. This variant has not been reported in the literature in individuals with PRKDC-related conditions. This variant is not present in population databases (ExAC no frequency). This sequence change falls in intron 1 of the PRKDC gene. It does not directly change the encoded amino acid sequence of the PRKDC protein.